The following is an entry in ClinVar:

ClinVar aggregate classification (germline): Uncertain significance (1 of 4 stars; one submission).

gnomAD v4.1: 9 of 1,613,698 alleles (0.00056%); highest among the groups gnomAD compares: Admixed American, 0.015%; no homozygotes.

Submission:

Labcorp Genetics (formerly Invitae), Labcorp
Classification: Uncertain significance. Last evaluated: 2023-05-23. Review status: criteria provided, single submitter. Criteria: Invitae Variant Classification Sherloc (09022015). Collection method: clinical testing. Allele origin: germline.
Comment: This sequence change replaces serine, which is neutral and polar, with phenylalanine, which is neutral and non-polar, at codon 710 of the CARMIL2 protein (p.Ser710Phe). This variant is present in population databases (rs375991429, gnomAD 0.01%). This variant has not been reported in the literature in individuals affected with CARMIL2-related conditions. Advanced modeling of protein sequence and biophysical properties (such as structural, functional, and spatial information, amino acid conservation, physicochemical variation, residue mobility, and thermodynamic stability) performed at Invitae indicates that this missense variant is not expected to disrupt CARMIL2 protein function. In summary, the available evidence is currently insufficient to determine the role of this variant in disease. Therefore, it has been classified as a Variant of Uncertain Significance.

NM_001013838.3(CARMIL2):c.2129C>T (p.Ser710Phe)

Gene: CARMIL2 (capping protein regulator and myosin 1 linker 2; plus strand). Cytogenetic location: 16q22.1.
Variant type: single nucleotide variant.
Coding change: c.2129C>T on transcript NM_001013838.3 (MANE Select); coding-DNA position 2129, C replaced by T.
Protein change: p.Ser710Phe; replaces serine 710 with phenylalanine.
Molecular consequence: missense variant.
Genome position (GRCh38, 1-based): chr16:67,650,095, C>T. VCF-style: chr16-67650095-C-T. GRCh37 (hg19) VCF-style: chr16-67683998-C-T.
Other names: c.2021C>T, p.Ser674Phe (NM_001317026.3); short protein forms S710F, S674F.
Identifiers: ClinVar variation 2901247 (VCV002901247.1), dbSNP rs375991429, ClinGen allele CA8113688.